The following is an entry in ClinVar:

NM_006662.3(SRCAP):c.842G>A (p.Arg281His)

Gene: SRCAP (Snf2 related CREBBP activator protein; plus strand). Cytogenetic location: 16p11.2.
Variant type: single nucleotide variant.
Coding change: c.842G>A on transcript NM_006662.3 (MANE Select); coding-DNA position 842, G replaced by A.
Protein change: p.Arg281His; replaces arginine 281 with histidine.
Molecular consequence: missense variant.
Genome position (GRCh38, 1-based): chr16:30,709,721, G>A. VCF-style: chr16-30709721-G-A. GRCh37 (hg19) VCF-style: chr16-30721042-G-A.
Other names: short protein forms R281H.
Identifiers: ClinVar variation 3169853 (VCV003169853.3), dbSNP rs752331510, ClinGen allele CA8010765.

ClinVar aggregate classification (germline): Uncertain significance. Review status: criteria provided, multiple submitters, no conflicts (2 of 4 stars). 2 submissions from 2 submitters: Uncertain significance (2). Last evaluated 2024-08-23.

Conditions:
Inborn genetic diseases. Identifiers: MedGen C0950123, MeSH D030342.

Allele frequency attached by ClinVar (database versions not stated): ExAC 0.00001; gnomAD 0.00001; gnomAD exomes 0.00001; TOPMed 0.00003.
gnomAD v4.1: 21 of 1,613,964 alleles (0.0013%); highest among the groups gnomAD compares: African/African-American, 0.0067%; no homozygotes.

Submissions (2):

Labcorp Genetics (formerly Invitae), Labcorp
Classification: Uncertain significance. Last evaluated: 2024-08-23. Review status: criteria provided, single submitter. Criteria: Invitae Variant Classification Sherloc (09022015). Collection method: clinical testing. Allele origin: germline.
Comment: This sequence change replaces arginine, which is basic and polar, with histidine, which is basic and polar, at codon 281 of the SRCAP protein (p.Arg281His). This variant is present in population databases (rs752331510, gnomAD 0.01%). This variant has not been reported in the literature in individuals affected with SRCAP-related conditions. Invitae Evidence Modeling of protein sequence and biophysical properties (such as structural, functional, and spatial information, amino acid conservation, physicochemical variation, residue mobility, and thermodynamic stability) indicates that this missense variant is not expected to disrupt SRCAP protein function with a negative predictive value of 80%. In summary, the available evidence is currently insufficient to determine the role of this variant in disease. Therefore, it has been classified as a Variant of Uncertain Significance.

Ambry Genetics
Classification: Uncertain significance for Inborn genetic diseases. Last evaluated: 2023-10-30. Review status: criteria provided, single submitter. Criteria: Ambry Variant Classification Scheme 2023. Collection method: clinical testing. Allele origin: germline.